The following is an entry in ClinVar:

ClinVar aggregate classification (germline): Pathogenic (1 of 4 stars; one submission).

Allele frequency attached by ClinVar (database versions not stated): TOPMed below 0.00001; ExAC 0.00001; gnomAD 0.00001; ESP Exome Variant Server 0.00008.

Submission:

Labcorp Genetics (formerly Invitae), Labcorp
Classification: Pathogenic. Last evaluated: 2023-03-30. Review status: criteria provided, single submitter. Criteria: Invitae Variant Classification Sherloc (09022015). Collection method: clinical testing. Allele origin: germline.
Comment: This variant is present in population databases (rs747930160, gnomAD 0.0009%). This sequence change creates a premature translational stop signal (p.Leu157Argfs*22) in the PNPLA8 gene. It is expected to result in an absent or disrupted protein product. Loss-of-function variants in PNPLA8 are known to be pathogenic (PMID: 29681094). For these reasons, this variant has been classified as Pathogenic. This variant has not been reported in the literature in individuals affected with PNPLA8-related conditions.

Literature cited by the submitters: PubMed 29681094.

NM_001256007.3(PNPLA8):c.470del (p.Leu157fs)

Gene: PNPLA8 (patatin like domain 8, phospholipase A2; minus strand). Cytogenetic location: 7q31.1.
Variant type: Deletion.
Coding change: c.470del on transcript NM_001256007.3 (MANE Select); coding-DNA position 470, one base deleted (T; older notation c.470delT).
Protein change: p.Leu157fs; shifts the reading frame from leucine 157.
Molecular consequence: frameshift variant.
Genome position (GRCh38, 1-based): chr7:108,515,022, A deleted on the plus strand (T on the coding strand, the reverse complement: PNPLA8 is on the minus strand). VCF-style (leftmost placement, unchanged base first): chr7-108515021-CA-C. GRCh37 (hg19) VCF-style: chr7-108155465-CA-C.
Other names: c.470del, p.Leu157fs (NM_001256008.3, NM_001256009.3, NM_015723.5); c.170del, p.Leu57fs (NM_001256010.3, NM_001256011.3); short protein forms L157fs, L57fs.
Identifiers: ClinVar variation 2850949 (VCV002850949.3), dbSNP rs747930160, ClinGen allele CA4439811.